The following is an entry in ClinVar:

ClinVar aggregate classification (germline): Uncertain significance (1 of 4 stars; one submission).

Conditions:
Nephronophthisis. Also called: Juvenile Nephronophthisis. Identifiers: Orphanet 655, MedGen C0687120, MONDO:0019005, HP:0000090.

Submission:

Labcorp Genetics (formerly Invitae), Labcorp
Classification: Uncertain significance for Nephronophthisis. Last evaluated: 2022-07-09. Review status: criteria provided, single submitter. Criteria: Invitae Variant Classification Sherloc (09022015). Collection method: clinical testing. Allele origin: germline.
Comment: In summary, the available evidence is currently insufficient to determine the role of this variant in disease. Therefore, it has been classified as a Variant of Uncertain Significance. Algorithms developed to predict the effect of missense changes on protein structure and function (SIFT, PolyPhen-2, Align-GVGD) all suggest that this variant is likely to be disruptive. This variant has not been reported in the literature in individuals affected with INVS-related conditions. This variant is not present in population databases (gnomAD no frequency). This sequence change replaces cysteine, which is neutral and slightly polar, with glycine, which is neutral and non-polar, at codon 439 of the INVS protein (p.Cys439Gly).

NM_014425.5(INVS):c.1315T>G (p.Cys439Gly)

Gene: INVS (inversin; plus strand). Cytogenetic location: 9q31.1.
Variant type: single nucleotide variant.
Coding change: c.1315T>G on transcript NM_014425.5 (MANE Select); coding-DNA position 1315, T replaced by G.
Protein change: p.Cys439Gly; replaces cysteine 439 with glycine.
Molecular consequence: missense variant. On other transcripts: non-coding transcript variant (1).
Genome position (GRCh38, 1-based): chr9:100,252,987, T>G. VCF-style: chr9-100252987-T-G. GRCh37 (hg19) VCF-style: chr9-103015269-T-G.
Other names: c.1027T>G, p.Cys343Gly (NM_001318381.2); c.337T>G, p.Cys113Gly (NM_001318382.2); short protein forms C439G, C343G, C113G.
Identifiers: ClinVar variation 2016478 (VCV002016478.2), dbSNP rs2490005644, ClinGen allele CA374364770.
Genomic context (GRCh38, chr9:100,252,987, plus strand): 5'-GTTGACCAAGATGGACATTCTCTTCTACATTGGGCAGCACTGGGAGGAAATGCTGATGTT[T>G]GCCAGATATTAATAGAAAATAAGATCAATCCAAATGTCCAGGATTATGCAGGAAGAACCC-3'
Protein context (NP_055240.2, residues 429-449): WAALGGNADV[Cys439Gly]QILIENKINP